The following is an entry in ClinVar:

NM_013382.7(POMT2):c.1913G>A (p.Arg638Gln)

Gene: POMT2 (protein O-mannosyltransferase 2; minus strand). Cytogenetic location: 14q24.3.
Variant type: single nucleotide variant.
Coding change: c.1913G>A on transcript NM_013382.7 (MANE Select); coding-DNA position 1913, G replaced by A.
Protein change: p.Arg638Gln; replaces arginine 638 with glutamine.
Molecular consequence: missense variant.
Genome position (GRCh38, 1-based): chr14:77,278,848, C>T on the plus strand (G>A on the coding strand, the complement: POMT2 is on the minus strand). VCF-style: chr14-77278848-C-T. GRCh37 (hg19) VCF-style: chr14-77745191-C-T.
Other names: c.1913G>A (NM_013382.5); short protein forms R638Q.
Identifiers: ClinVar variation 1005746 (VCV001005746.8), dbSNP rs779390236, ClinGen allele CA7285595.
Genomic context (GRCh38, chr14:77,278,848, plus strand): 5'-CCCATCAGGAAAAACGGGAAGTAATGGAGTGTCCAGCCGAGCAGGACCTGGCCGCCTCCT[C>T]GAAGCAGGACCTGGGACAACCCTGGGCCCAAGCAGCACAGCCCAGTCAGAAGACAAGGAG-3'
Protein context (NP_037514.2, residues 628-648): EVAGLSQVLL[Arg638Gln]GGGQVLLGWT

ClinVar aggregate classification (germline): Uncertain significance. Review status: criteria provided, multiple submitters, no conflicts (2 of 4 stars). 2 submissions from 2 submitters: Uncertain significance (2). Last evaluated 2022-01-14.

Conditions:
Muscular dystrophy-dystroglycanopathy (congenital with brain and eye anomalies), type A2. Also called: MUSCULAR DYSTROPHY-DYSTROGLYCANOPATHY (CONGENITAL WITH BRAIN AND EYE ANOMALIES), TYPE A, 2; WALKER-WARBURG SYNDROME OR MUSCLE-EYE-BRAIN DISEASE, POMT2-RELATED. Identifiers: Orphanet 588, Orphanet 899, MedGen C3150411, MONDO:0013154, OMIM 613150.
Muscular dystrophy-dystroglycanopathy (congenital with impaired intellectual development), type B, 2. Also called: MUSCULAR DYSTROPHY, CONGENITAL, POMT2-RELATED; Muscular dystrophy-dystroglycanopathy (congenital with intellectual disability), type B2. Identifiers: MedGen C3150416, MONDO:0013160, OMIM 613156.
Autosomal recessive limb-girdle muscular dystrophy type 2N. Also called: Muscular dystrophy-dystroglycanopathy (limb-girdle), type C, 2; MUSCULAR DYSTROPHY-DYSTROGLYCANOPATHY, LIMB-GIRDLE, POMT2-RELATED. Identifiers: Orphanet 206559, MedGen C3150418, MONDO:0013162, OMIM 613158.

Allele frequency attached by ClinVar (database versions not stated): ExAC 0.00002; gnomAD exomes 0.00001 and 0.00002; TOPMed 0.00001; gnomAD 0.00003 and 0.00004.

Submissions (2):

Labcorp Genetics (formerly Invitae), Labcorp
Classification: Uncertain significance for Muscular dystrophy-dystroglycanopathy (congenital with impaired intellectual development), type B, 2; Muscular dystrophy-dystroglycanopathy (congenital with brain and eye anomalies), type A2; Autosomal recessive limb-girdle muscular dystrophy type 2N. Last evaluated: 2022-01-14. Review status: criteria provided, single submitter. Criteria: Invitae Variant Classification Sherloc (09022015). Collection method: clinical testing. Allele origin: germline.
Comment: This sequence change replaces arginine, which is basic and polar, with glutamine, which is neutral and polar, at codon 638 of the POMT2 protein (p.Arg638Gln). This variant is present in population databases (rs779390236, gnomAD 0.008%). This variant has not been reported in the literature in individuals affected with POMT2-related conditions. ClinVar contains an entry for this variant (Variation ID: 1005746). Algorithms developed to predict the effect of missense changes on protein structure and function output the following: SIFT: "Tolerated"; PolyPhen-2: "Benign"; Align-GVGD: "Class C0". The glutamine amino acid residue is found in multiple mammalian species, which suggests that this missense change does not adversely affect protein function. In summary, the available evidence is currently insufficient to determine the role of this variant in disease. Therefore, it has been classified as a Variant of Uncertain Significance.

Revvity Omics, Revvity
Classification: Uncertain significance. Last evaluated: 2019-02-26. Review status: criteria provided, single submitter. Criteria: ACMG Guidelines, 2015. Collection method: clinical testing. Allele origin: germline.